The following is an entry in ClinVar:

ClinVar aggregate classification (germline): Uncertain significance. Review status: criteria provided, multiple submitters, no conflicts (2 of 4 stars). 2 submissions from 2 submitters: Uncertain significance (2). Last evaluated 2025-05-19.

Allele frequency attached by ClinVar (database versions not stated): gnomAD 0.00001.
gnomAD v4.1: 7 of 1,613,232 alleles (0.00043%); highest among the groups gnomAD compares: East Asian, 0.016%; no homozygotes.

Submissions (2):

Ambry Genetics
Classification: Uncertain significance. Last evaluated: 2025-05-19. Review status: criteria provided, single submitter. Criteria: Ambry Variant Classification Scheme 2023. Collection method: clinical testing. Allele origin: germline.

Labcorp Genetics (formerly Invitae), Labcorp
Classification: Uncertain significance. Last evaluated: 2022-03-08. Review status: criteria provided, single submitter. Criteria: Invitae Variant Classification Sherloc (09022015). Collection method: clinical testing. Allele origin: germline.
Comment: In summary, the available evidence is currently insufficient to determine the role of this variant in disease. Therefore, it has been classified as a Variant of Uncertain Significance. Algorithms developed to predict the effect of missense changes on protein structure and function output the following: SIFT: "Tolerated"; PolyPhen-2: "Benign"; Align-GVGD: "Class C0". The valine amino acid residue is found in multiple mammalian species, which suggests that this missense change does not adversely affect protein function. This variant has not been reported in the literature in individuals affected with SUCO-related conditions. This variant is present in population databases (rs757408631, gnomAD 0.03%). This sequence change replaces alanine, which is neutral and non-polar, with valine, which is neutral and non-polar, at codon 875 of the SUCO protein (p.Ala875Val).

NM_014283.5(SUCO):c.2624C>T (p.Ala875Val)

Gene: SUCO (SUN domain containing ossification factor; plus strand). Cytogenetic location: 1q24.3.
Variant type: single nucleotide variant.
Coding change: c.2624C>T on transcript NM_014283.5 (MANE Select); coding-DNA position 2624, C replaced by T.
Protein change: p.Ala875Val; replaces alanine 875 with valine.
Molecular consequence: missense variant. On other transcripts: intron variant (1).
Genome position (GRCh38, 1-based): chr1:172,589,725, C>T. VCF-style: chr1-172589725-C-T. GRCh37 (hg19) VCF-style: chr1-172558865-C-T.
Other names: c.935C>T, p.Ala312Val (NM_001282751.2); c.3077C>T, p.Ala1026Val (NM_016227.4); c.1712+801C>T (NM_001282750.2); c.2624C>T (NM_014283.3); short protein forms A1026V, A312V, A875V.
Identifiers: ClinVar variation 1422763 (VCV001422763.10), dbSNP rs757408631, ClinGen allele CA1247116.
Genomic context (GRCh38, chr1:172,589,725, plus strand): 5'-CTGTTGTGGATTCTTCTTCATTACCTGAAGTAAAAGAAGAAGAACAGTCTCCAGAAGATG[C>T]CCTTTTGAGAGGGTTACAGAGGACAGCTACAGATTTTTATGCTGAATTGCAAAATTCTAC-3'
Protein context (NP_055098.1, residues 865-885): VKEEEQSPED[Ala875Val]LLRGLQRTAT